The following continues an entry in ClinVar:

NM_000492.4(CFTR):c.3454G>C (p.Asp1152His)

ClinVar aggregate classification (germline): drug response. drug response (1).

Submissions 41 to 47 of 47:

Division of Human Genetics, Children's Hospital of Philadelphia
Classification: Pathogenic for Cystic fibrosis. Last evaluated: 2015-11-13. Review status: no assertion criteria provided. Collection method: research. Allele origin: germline. Study: CSER-PediSeq. Not counted in ClinVar's aggregate classification.

Women's Health and Genetics/Laboratory Corporation of America, LabCorp
Classification: Pathogenic for Cystic Fibrosis. Last evaluated: 2015-07-16. Review status: no assertion criteria provided. Collection method: clinical testing. Allele origin: germline. Not counted in ClinVar's aggregate classification.

Clinical Genetics DNA and cytogenetics Diagnostics Lab, Erasmus MC, Erasmus Medical Center
Classification: Pathogenic. Review status: no assertion criteria provided. Collection method: clinical testing. Allele origin: germline. Affected: yes. Study: VKGL Data-share Consensus. Not counted in ClinVar's aggregate classification.

Diagnostic Laboratory, Department of Genetics, University Medical Center Groningen
Classification: Pathogenic. Review status: no assertion criteria provided. Collection method: clinical testing. Allele origin: germline. Affected: yes. Study: VKGL Data-share Consensus. Not counted in ClinVar's aggregate classification.

Genome Diagnostics Laboratory, Amsterdam University Medical Center
Classification: Pathogenic. Review status: no assertion criteria provided. Collection method: clinical testing. Allele origin: germline. Affected: yes. Study: VKGL Data-share Consensus. Not counted in ClinVar's aggregate classification.

Joint Genome Diagnostic Labs from Nijmegen and Maastricht, Radboudumc and MUMC+
Classification: Likely pathogenic. Review status: no assertion criteria provided. Collection method: clinical testing. Allele origin: germline. Affected: yes. Study: VKGL Data-share Consensus. Not counted in ClinVar's aggregate classification.

MAGI's Lab - Research, MAGI Group
Classification: Pathogenic for Male infertility. Review status: no assertion criteria provided. Collection method: provider interpretation. Allele origin: germline. Affected: yes. Not counted in ClinVar's aggregate classification.

Literature cited by the submitters: PubMed 23891399 (cited by 7 submitters); PubMed 9804160 (cited by 5 submitters); PubMed 25033378 (cited by 8 submitters); PubMed 11883825 (cited by Dasa and Labcorp Genetics (formerly Invitae), Labcorp); PubMed 15987793 (cited by Dasa and Labcorp Genetics (formerly Invitae), Labcorp); PubMed 16429425 (cited by 6 submitters); PubMed 7739684 (cited by 6 submitters); PubMed 25583415 (cited by 6 submitters); PubMed 15858154 (cited by Labcorp Genetics (formerly Invitae), Labcorp); PubMed 17003641 (cited by Labcorp Genetics (formerly Invitae), Labcorp); PubMed 17594398 (cited by Labcorp Genetics (formerly Invitae), Labcorp and Quest Diagnostics Nichols Institute San Juan Capistrano); PubMed 18301294 (cited by 7 submitters); PubMed 19843100 (cited by 8 submitters); PubMed 20460946 (cited by 3 submitters); PubMed 21520337 (cited by 5 submitters); PubMed 22156145 (cited by 5 submitters); PubMed 23082198 (cited by Labcorp Genetics (formerly Invitae), Labcorp); PubMed 23951356 (cited by 3 submitters); PubMed 25304080 (cited by Labcorp Genetics (formerly Invitae), Labcorp); PubMed 36437230 (cited by Natera, Inc.); PubMed 36238762 (cited by Natera, Inc.); PubMed 25910067 (cited by Ambry Genetics); PubMed 26526220 (cited by Ambry Genetics); PubMed 27086061 (cited by Ambry Genetics and Quest Diagnostics Nichols Institute San Juan Capistrano); PubMed 27214204 (cited by Ambry Genetics); PubMed 27469177 (cited by Ambry Genetics); PubMed 15952991 (cited by 3 submitters); PubMed 32747394 (cited by Quest Diagnostics Nichols Institute San Juan Capistrano); PubMed 33572515 (cited by Quest Diagnostics Nichols Institute San Juan Capistrano); PubMed 29099333 (cited by Quest Diagnostics Nichols Institute San Juan Capistrano); PubMed 33669477 (cited by Quest Diagnostics Nichols Institute San Juan Capistrano); PubMed 33095038 (cited by Quest Diagnostics Nichols Institute San Juan Capistrano); PubMed 33883100 (cited by Quest Diagnostics Nichols Institute San Juan Capistrano); PubMed 37888495 (cited by Quest Diagnostics Nichols Institute San Juan Capistrano); PubMed 37423798 (cited by Quest Diagnostics Nichols Institute San Juan Capistrano); PubMed 37431359 (cited by Quest Diagnostics Nichols Institute San Juan Capistrano); PubMed 36717774 (cited by Quest Diagnostics Nichols Institute San Juan Capistrano); PubMed 36655218 (cited by Quest Diagnostics Nichols Institute San Juan Capistrano); PubMed 36264955 (cited by Quest Diagnostics Nichols Institute San Juan Capistrano); PubMed 36143206 (cited by Quest Diagnostics Nichols Institute San Juan Capistrano); PubMed 35086832 (cited by Quest Diagnostics Nichols Institute San Juan Capistrano); PubMed 35934641 (cited by Quest Diagnostics Nichols Institute San Juan Capistrano); PubMed 11547256 (cited by 3 submitters); PubMed 19014055 (cited by Quest Diagnostics Nichols Institute San Juan Capistrano and AiLife Diagnostics); PubMed 32414100 (cited by Quest Diagnostics Nichols Institute San Juan Capistrano and AiLife Diagnostics); PubMed 7586569 (cited by Quest Diagnostics Nichols Institute San Juan Capistrano and AiLife Diagnostics); PubMed 28129809 (cited by Quest Diagnostics Nichols Institute San Juan Capistrano); PubMed 35011616 (cited by Quest Diagnostics Nichols Institute San Juan Capistrano); PubMed 35184981 (cited by Quest Diagnostics Nichols Institute San Juan Capistrano); PubMed 18675692 (cited by Quest Diagnostics Nichols Institute San Juan Capistrano); PubMed 34782259 (cited by Quest Diagnostics Nichols Institute San Juan Capistrano); PubMed 26990548 (cited by AiLife Diagnostics and Baylor Genetics); PubMed 22020151 (cited by AiLife Diagnostics and Baylor Genetics); PubMed 31036917 (cited by AiLife Diagnostics); PubMed 18456578 (cited by AiLife Diagnostics and Baylor Genetics); PubMed 19212293 (cited by AiLife Diagnostics and Baylor Genetics); PubMed 22310382 (cited by AiLife Diagnostics and Baylor Genetics); PubMed 20021716 (cited by AiLife Diagnostics and Baylor Genetics); PubMed 24082139 (cited by AiLife Diagnostics and Baylor Genetics); PubMed 22975760 (cited by AiLife Diagnostics and Baylor Genetics); PubMed 12124706 (cited by AiLife Diagnostics and Baylor Genetics); PubMed 27171515 (cited by AiLife Diagnostics and Baylor Genetics); PubMed 17617039 (cited by AiLife Diagnostics and Baylor Genetics); PubMed 28544683 (cited by AiLife Diagnostics); PubMed 23974870 (cited by 5 submitters); PubMed 25087612 (cited by AiLife Diagnostics and Baylor Genetics); PubMed 21679131 (cited by 3 submitters); PubMed 15070876 (cited by Illumina Laboratory Services, Illumina); DOI 10.3389/fendo.2020.605237 (cited by MAGI's Lab - Research, MAGI Group).